The following is an entry in ClinVar:

ClinVar aggregate classification (germline): Uncertain significance. Review status: criteria provided, multiple submitters, no conflicts (2 of 4 stars). 2 submissions from 2 submitters: Uncertain significance (2). Last evaluated 2025-11-25.

Conditions:
Inborn genetic diseases. Identifiers: MedGen C0950123, MeSH D030342.

Allele frequency attached by ClinVar (database versions not stated): TOPMed below 0.00001; ExAC 0.00001; gnomAD 0.00001; gnomAD exomes 0.00001.
gnomAD v4.1: 22 of 1,613,762 alleles (0.0014%); highest among the groups gnomAD compares: East Asian, 0.0067%; no homozygotes.

Submissions (2):

Labcorp Genetics (formerly Invitae), Labcorp
Classification: Uncertain significance. Last evaluated: 2025-11-25. Review status: criteria provided, single submitter. Criteria: Invitae Variant Classification Sherloc (09022015). Collection method: clinical testing. Allele origin: germline.
Comment: This sequence change replaces glycine, which is neutral and non-polar, with serine, which is neutral and polar, at codon 395 of the PTH1R protein (p.Gly395Ser). This variant is present in population databases (rs781036233, gnomAD 0.006%). This variant has not been reported in the literature in individuals affected with PTH1R-related conditions. ClinVar contains an entry for this variant (Variation ID: 1985210). Invitae Evidence Modeling of protein sequence and biophysical properties (such as structural, functional, and spatial information, amino acid conservation, physicochemical variation, residue mobility, and thermodynamic stability) indicates that this missense variant is not expected to disrupt PTH1R protein function with a negative predictive value of 80%. In summary, the available evidence is currently insufficient to determine the role of this variant in disease. Therefore, it has been classified as a Variant of Uncertain Significance.

Ambry Genetics
Classification: Uncertain significance for Inborn genetic diseases. Last evaluated: 2025-04-14. Review status: criteria provided, single submitter. Criteria: Ambry Variant Classification Scheme 2023. Collection method: clinical testing. Allele origin: germline.

NM_000316.3(PTH1R):c.1183G>A (p.Gly395Ser)

Gene: PTH1R (parathyroid hormone 1 receptor; plus strand). Cytogenetic location: 3p21.31.
Variant type: single nucleotide variant.
Coding change: c.1183G>A on transcript NM_000316.3 (MANE Select); coding-DNA position 1183, G replaced by A.
Protein change: p.Gly395Ser; replaces glycine 395 with serine.
Molecular consequence: missense variant.
Genome position (GRCh38, 1-based): chr3:46,901,832, G>A. VCF-style: chr3-46901832-G-A. GRCh37 (hg19) VCF-style: chr3-46943322-G-A.
Other names: c.1183G>A, p.Gly395Ser (NM_001184744.1); c.1183G>A (NM_000316.2); short protein forms G395S.
Identifiers: ClinVar variation 1985210 (VCV001985210.5), dbSNP rs781036233, ClinGen allele CA2359433.